The following is an entry in ClinVar:

ClinVar aggregate classification (germline): Uncertain significance. Review status: criteria provided, multiple submitters, no conflicts (2 of 4 stars). 2 submissions from 2 submitters: Uncertain significance (2). Last evaluated 2026-04-14.

Conditions:
Familial intrahepatic cholestasis. Identifiers: Orphanet 284385, MedGen CN296401, MONDO:0017290.

gnomAD v4.1: 7 of 1,613,760 alleles (0.00043%); highest among the groups gnomAD compares: African/African-American, 0.0013%; no homozygotes.

Submissions (2):

Genomenon, Inc
Classification: Uncertain significance for Familial intrahepatic cholestasis. Last evaluated: 2026-04-14. Review status: criteria provided, single submitter. Criteria: Genomenon Sequence Variant Interpretation Standards - Updated. Collection method: curation. Allele origin: germline. Affected: yes.
Comment: ATP8B1 p.Gly233Arg (c.697G>A) is a missense variant that changes the amino acid at residue 233 from Glycine to Arginine. This variant has been observed in at least one proband with features of ATP8B1-deficiency (PMID:33666275). It is absent or not present at a significant frequency in gnomAD. In silico models predict that this variant is possibly or probably damaging. In conclusion, we classify ATP8B1 p.Gly233Arg (c.697G>A) as a variant of uncertain significance.

Women's Health and Genetics/Laboratory Corporation of America, LabCorp
Classification: Uncertain significance. Last evaluated: 2024-05-22. Review status: criteria provided, single submitter. Criteria: LabCorp Variant Classification Summary - May 2015. Collection method: clinical testing. Allele origin: germline.
Comment: Variant summary: ATP8B1 c.697G>A (p.Gly233Arg) results in a non-conservative amino acid change in the encoded protein sequence. Five of five in-silico tools predict a damaging effect of the variant on protein function. Consensus agreement among computation tools predict no significant impact on normal splicing. However, these predictions have yet to be confirmed by functional studies. The variant allele was found at a frequency of 4e-06 in 251290 control chromosomes (gnomAD). c.697G>A has been reported in the literature in a homozygous individual affected with low-gamma-glutamyltransferase (GGT) cholestasis (example: vanWessel_2021). These data indicate that the variant may be associated with disease. To our knowledge, no experimental evidence demonstrating an impact on protein function has been reported. The following publication has been ascertained in the context of this evaluation (PMID: 33666275). No submitters have cited clinical-significance assessments for this variant to ClinVar. Based on the evidence outlined above, the variant was classified as VUS-possibly pathogenic.

Literature cited by the submitters: PubMed 33666275 (cited by Genomenon, Inc and Women's Health and Genetics/Laboratory Corporation of America, LabCorp).

NM_001374385.1(ATP8B1):c.697G>A (p.Gly233Arg)

Gene: ATP8B1 (ATPase phospholipid transporting 8B1; minus strand). Cytogenetic location: 18q21.31.
Variant type: single nucleotide variant.
Coding change: c.697G>A on transcript NM_001374385.1 (MANE Select); coding-DNA position 697, G replaced by A.
Protein change: p.Gly233Arg; replaces glycine 233 with arginine.
Molecular consequence: missense variant.
Genome position (GRCh38, 1-based): chr18:57,697,619, C>T on the plus strand (G>A on the coding strand, the complement: ATP8B1 is on the minus strand). VCF-style: chr18-57697619-C-T. GRCh37 (hg19) VCF-style: chr18-55364851-C-T.
Other names: c.547G>A, p.Gly183Arg (NM_001374386.1); c.697G>A, p.Gly233Arg (NM_005603.6); short protein forms G183R, G233R.
Identifiers: ClinVar variation 3336442 (VCV003336442.2).